The following is an entry in ClinVar:

ClinVar aggregate classification (germline): Uncertain significance (1 of 4 stars; one submission).

Conditions:
Hereditary cancer-predisposing syndrome. Also called: Neoplastic Syndromes, Hereditary; Tumor predisposition; Hereditary neoplastic syndrome; Hereditary Cancer Syndrome. Identifiers: Orphanet 140162, MedGen C0027672, MeSH D009386, MONDO:0015356.
Cardiovascular phenotype. Identifiers: MedGen CN230736.

Submission:

Ambry Genetics
Classification: Uncertain significance for Cardiovascular phenotype; Hereditary cancer-predisposing syndrome. Last evaluated: 2023-03-10. Review status: criteria provided, single submitter. Criteria: Ambry Variant Classification Scheme 2023. Collection method: clinical testing. Allele origin: germline.
Comment: The c.2853_3113+152dup gross duplication includes at least a portion of coding exon 22 through at least a portion of coding exon 23 in the NF1 gene; however, the exact breakpoints of the duplication were not determined. Gross duplications are expected to occur in tandem, resulting in an abnormal protein (Richardson ME et al. Genet. Med. 2019 03;21(3):683-693). However, this particular duplication is predicted to result in an in-frame impact and the exact functional effect of the duplicated sequence is unknown. Since supporting evidence is limited at this time, the clinical significance of this alteration remains unclear.

NM_001042492.3(NF1):c.2855_3113+154dup

Gene: NF1 (neurofibromin 1; plus strand). Cytogenetic location: 17q11.2.
Variant type: Duplication.
Coding change: c.2855_3113+154dup on transcript NM_001042492.3 (MANE Select); coding-DNA position 2855 through 154 bases into the intron after coding-DNA position 3113, 698 bases duplicated.
Molecular consequence: splice acceptor variant, splice donor variant.
Genome position (GRCh38, 1-based): chr17:31,229,839-31,230,536, 698 bases duplicated. GRCh37 (hg19): chr17:29,556,857-29,557,554.
Other names: c.2853_3113+152dup (NM_000267.3); c.2855_3113+154dup (NM_000267.4).
Identifiers: ClinVar variation 2452309 (VCV002452309.2), dbSNP rs2508196221, ClinGen allele CA2580093409.